The following is an entry in ClinVar:

ClinVar aggregate classification (germline): Pathogenic (1 of 4 stars; one submission).

Conditions:
Dextro-looped transposition of the great arteries. Also called: Dextrotransposition of the great arteries. Identifiers: Orphanet 860, MedGen C3531771, MONDO:0019443, OMIM 608808, HP:0031348.

Submission:

Labcorp Genetics (formerly Invitae), Labcorp
Classification: Pathogenic for Dextro-looped transposition of the great arteries. Last evaluated: 2024-08-06. Review status: criteria provided, single submitter. Criteria: Invitae Variant Classification Sherloc (09022015). Collection method: clinical testing. Allele origin: germline.
Comment: This sequence change creates a premature translational stop signal (p.His127Thrfs*4) in the MED13L gene. It is expected to result in an absent or disrupted protein product. Loss-of-function variants in MED13L are known to be pathogenic (PMID: 25712080, 25758992). This variant is not present in population databases (gnomAD no frequency). This variant has not been reported in the literature in individuals affected with MED13L-related conditions. For these reasons, this variant has been classified as Pathogenic.

Literature cited by the submitters: PubMed 25712080; PubMed 25758992.

NM_015335.5(MED13L):c.379del (p.His127fs)

Gene: MED13L (mediator complex subunit 13L; minus strand). Cytogenetic location: 12q24.21.
Variant type: Deletion.
Coding change: c.379del on transcript NM_015335.5 (MANE Select); coding-DNA position 379, one base deleted (C; older notation c.379delC).
Protein change: p.His127fs; shifts the reading frame from histidine 127.
Molecular consequence: frameshift variant.
Genome position (GRCh38, 1-based): chr12:116,111,444, G deleted on the plus strand (C on the coding strand, the reverse complement: MED13L is on the minus strand); the first of 2 consecutive G bases (chr12:116,111,444-116,111,445); deleting either gives the same sequence. VCF-style (leftmost placement, unchanged base first): chr12-116111443-TG-T. GRCh37 (hg19) VCF-style: chr12-116549248-TG-T.
Other names: short protein forms H127fs.
Identifiers: ClinVar variation 3660246 (VCV003660246.2).
Genomic context (GRCh38, chr12:116,111,443, plus strand): 5'-ATACTTGGTTGTCTGCAAACCACTGTCTGCTGTTCCTTCTCTTACCTTTCTAACAGATTG[TG>T]GATCGCTTTGAAGAGCAGCGTCCTACATTCATAGGAAAGGCCATTTTCCCAGAGTCCTTC-3'